The following is an entry in ClinVar:

NM_000487.6(ARSA):c.1451del (p.Asp484fs)

Gene: ARSA (arylsulfatase A; minus strand). Cytogenetic location: 22q13.33.
Variant type: Deletion.
Coding change: c.1451del on transcript NM_000487.6 (MANE Select); coding-DNA position 1451, one base deleted (A; older notation c.1451delA).
Protein change: p.Asp484fs; shifts the reading frame from aspartic acid 484.
Molecular consequence: frameshift variant.
Genome position (GRCh38, 1-based): chr22:50,625,224, T deleted on the plus strand (A on the coding strand, the reverse complement: ARSA is on the minus strand). VCF-style (leftmost placement, unchanged base first): chr22-50625223-GT-G. GRCh37 (hg19) VCF-style: chr22-51063651-GT-G.
Other names: c.1451del, p.Asp484fs (NM_001085425.3, NM_001085426.3, NM_001085427.3); c.1193del, p.Asp398fs (NM_001085428.3, NM_001362782.2); short protein forms D398fs, D484fs.
Identifiers: ClinVar variation 2837519 (VCV002837519.3), dbSNP rs2518321342, ClinGen allele CA2739268048.

ClinVar aggregate classification (germline): Pathogenic (1 of 4 stars; one submission).

Conditions:
Metachromatic leukodystrophy (MLD). Also called: ARSA DEFICIENCY; CEREBROSIDE SULFATASE DEFICIENCY; METACHROMATIC LEUKOENCEPHALOPATHY; SULFATIDE LIPIDOSIS; Cerebral sclerosis diffuse metachromatic form; Arylsulfatase A Deficiency. Identifiers: Orphanet 512, MedGen C0023522, MONDO:0018868, OMIM 250100.

Submission:

Labcorp Genetics (formerly Invitae), Labcorp
Classification: Pathogenic for Metachromatic leukodystrophy. Last evaluated: 2023-03-20. Review status: criteria provided, single submitter. Criteria: Invitae Variant Classification Sherloc (09022015). Collection method: clinical testing. Allele origin: germline.
Comment: This variant is not present in population databases (gnomAD no frequency). This sequence change results in a frameshift in the ARSA gene (p.Asp484Alafs*36). While this is not anticipated to result in nonsense mediated decay, it is expected to disrupt the last 26 amino acid(s) of the ARSA protein and extend the protein by 9 additional amino acid residues. This variant has not been reported in the literature in individuals affected with ARSA-related conditions. For these reasons, this variant has been classified as Pathogenic. This variant disrupts a region of the ARSA protein in which other variant(s) (p.Cys491Gly) have been determined to be pathogenic (PMID: 15026521; Invitae). This suggests that this is a clinically significant region of the protein, and that variants that disrupt it are likely to be disease-causing.

Literature cited by the submitters: PubMed 15026521.